The following is an entry in ClinVar:

ClinVar aggregate classification (germline): Conflicting classifications of pathogenicity. Review status: criteria provided, conflicting classifications (1 of 4 stars). 5 submissions from 5 submitters: Uncertain significance (2); Likely benign (3). Last evaluated 2026-06-01.

Conditions:
Microcephaly 7, primary, autosomal recessive. Identifiers: Orphanet 2512, MedGen C2675187, MONDO:0012989, OMIM 612703.

Allele frequency attached by ClinVar (database versions not stated): gnomAD exomes 0.00012 and 0.00018; ExAC 0.00015; gnomAD 0.00027 and 0.00030; TOPMed 0.00037.
gnomAD v4.1: 238 of 1,613,836 alleles (0.015%); highest among the groups gnomAD compares: Middle Eastern, 0.16%; no homozygotes.

Submissions (5):

CeGaT Center for Human Genetics Tuebingen
Classification: Likely benign. Last evaluated: 2026-06-01. Review status: criteria provided, single submitter. Criteria: CeGaT Center For Human Genetics Tuebingen Variant Classification Criteria Version 2. Collection method: clinical testing. Allele origin: germline. Affected: yes. Observed: 2 variant alleles.
Comment: STIL: BP4, BP7

Labcorp Genetics (formerly Invitae), Labcorp
Classification: Likely benign. Last evaluated: 2025-01-13. Review status: criteria provided, single submitter. Criteria: Invitae Variant Classification Sherloc (09022015). Collection method: clinical testing. Allele origin: germline.

Illumina Laboratory Services, Illumina
Classification: Uncertain significance for Microcephaly 7, primary, autosomal recessive. Last evaluated: 2018-01-13. Review status: criteria provided, single submitter. Criteria: ICSL Variant Classification Criteria 13 December 2019. Collection method: clinical testing. Allele origin: germline.

Eurofins Ntd Llc (ga)
Classification: Uncertain significance. Last evaluated: 2017-06-23. Review status: criteria provided, single submitter. Criteria: EGL Classification Definitions 2015. Collection method: clinical testing. Allele origin: germline. Observed: 2 variant alleles, 2 heterozygotes.

GeneDx
Classification: Likely benign. Last evaluated: 2016-06-24. Review status: criteria provided, single submitter. Criteria: GeneDx Variant Classification (06012015). Collection method: clinical testing. Allele origin: germline. Affected: yes.
Comment: This variant is considered likely benign or benign based on one or more of the following criteria: it is a conservative change, it occurs at a poorly conserved position in the protein, it is predicted to be benign by multiple in silico algorithms, and/or has population frequency not consistent with disease.

NM_001048166.1(STIL):c.1005A>G (p.Glu335=)

Gene: STIL (STIL centriolar assembly protein; minus strand). Cytogenetic location: 1p33.
Variant type: single nucleotide variant.
Coding change: c.1005A>G on transcript NM_001048166.1 (MANE Select); coding-DNA position 1005, A replaced by G.
Protein change: p.Glu335=; no amino-acid change (glutamic acid 335 retained).
Molecular consequence: synonymous variant.
Genome position (GRCh38, 1-based): chr1:47,289,453, T>C on the plus strand (A>G on the coding strand, the complement: STIL is on the minus strand). VCF-style: chr1-47289453-T-C. GRCh37 (hg19) VCF-style: chr1-47755125-T-C.
Other names: c.1005A>G, p.Glu335= (NM_001282936.1, NM_001282937.1, NM_003035.2); c.864A>G, p.Glu288= (NM_001282938.1, NM_001282939.1).
Identifiers: ClinVar variation 297563 (VCV000297563.42), dbSNP rs149296029, ClinGen allele CA842462.